The following is an entry in ClinVar:

ClinVar aggregate classification (germline): Uncertain significance. Review status: criteria provided, multiple submitters, no conflicts (2 of 4 stars). 3 submissions from 3 submitters: Uncertain significance (3). Last evaluated 2026-06-02.

Conditions:
Cardiovascular phenotype. Identifiers: MedGen CN230736.
DK1-congenital disorder of glycosylation. Also called: CDG Im; DK1 DEFICIENCY; DOLICHOL KINASE DEFICIENCY; DOLK-congenital disorder of glycosylation; Carbohydrate deficient glycoprotein syndrome type 1m; CONGENITAL DISORDER OF GLYCOSYLATION, TYPE Im. Identifiers: Orphanet 91131, MedGen C1835849, MONDO:0012556, OMIM 610768.

Allele frequency attached by ClinVar (database versions not stated): gnomAD exomes below 0.00001.
gnomAD v4.1: 5 of 1,605,490 alleles (0.00031%); highest among the groups gnomAD compares: Non-Finnish European, 0.00042%; no homozygotes.

Submissions (3):

Ambry Genetics
Classification: Uncertain significance for Cardiovascular phenotype. Last evaluated: 2026-06-02. Review status: criteria provided, single submitter. Criteria: Ambry Variant Classification Scheme 2023. Collection method: clinical testing. Allele origin: germline.
Comment: The p.E108D variant (also known as c.324G>C), located in coding exon 1 of the DOLK gene, results from a G to C substitution at nucleotide position 324. The glutamic acid at codon 108 is replaced by aspartic acid, an amino acid with highly similar properties. This variant was reported in individual(s) with features consistent with dilated cardiomyopathy (DCM) (Mazzarotto F et al. Circulation, 2020 Feb;141:387-398). This amino acid position is highly conserved in available vertebrate species. In addition, this alteration is predicted to be deleterious by in silico analysis. Based on the available evidence, the clinical significance of this variant remains unclear.

Molecular Diagnostic Laboratory for Inherited Cardiovascular Disease, Montreal Heart Institute
Classification: Uncertain significance for Cardiovascular phenotype. Last evaluated: 2026-03-27. Review status: criteria provided, single submitter. Criteria: ACMG Guidelines, 2015. Collection method: clinical testing. Allele origin: germline. Affected: yes.
Comment: PM2

Labcorp Genetics (formerly Invitae), Labcorp
Classification: Uncertain significance for DK1-congenital disorder of glycosylation. Last evaluated: 2022-08-10. Review status: criteria provided, single submitter. Criteria: Invitae Variant Classification Sherloc (09022015). Collection method: clinical testing. Allele origin: germline.
Comment: In summary, the available evidence is currently insufficient to determine the role of this variant in disease. Therefore, it has been classified as a Variant of Uncertain Significance. Algorithms developed to predict the effect of missense changes on protein structure and function are either unavailable or do not agree on the potential impact of this missense change (SIFT: "Tolerated"; PolyPhen-2: "Probably Damaging"; Align-GVGD: "Class C0"). ClinVar contains an entry for this variant (Variation ID: 972185). This missense change has been observed in individual(s) with dilated cardiomyopathy (PMID: 31983221). This variant is not present in population databases (gnomAD no frequency). This sequence change replaces glutamic acid, which is acidic and polar, with aspartic acid, which is acidic and polar, at codon 108 of the DOLK protein (p.Glu108Asp).

Literature cited by the submitters: PubMed 31983221 (cited by Ambry Genetics and Labcorp Genetics (formerly Invitae), Labcorp).

NM_014908.4(DOLK):c.324G>C (p.Glu108Asp)

Gene: DOLK (dolichol kinase; minus strand). Cytogenetic location: 9q34.11.
Variant type: single nucleotide variant.
Coding change: c.324G>C on transcript NM_014908.4 (MANE Select); coding-DNA position 324, G replaced by C.
Protein change: p.Glu108Asp; replaces glutamic acid 108 with aspartic acid.
Molecular consequence: missense variant.
Genome position (GRCh38, 1-based): chr9:128,946,980, C>G on the plus strand (G>C on the coding strand, the complement: DOLK is on the minus strand). VCF-style: chr9-128946980-C-G. GRCh37 (hg19) VCF-style: chr9-131709259-C-G.
Other names: short protein forms E108D.
Identifiers: ClinVar variation 972185 (VCV000972185.12), dbSNP rs1841683382, ClinGen allele CA375126600.